The following is an entry in ClinVar:

ClinVar aggregate classification (germline): Uncertain significance (1 of 4 stars; one submission).

Conditions:
Epilepsy, idiopathic generalized, susceptibility to, 17 (EIG17). Identifiers: MedGen C5561931, MONDO:0100519, OMIM 602477.

Submission:

Juno Genomics, Hangzhou Juno Genomics, Inc
Classification: Uncertain significance for Epilepsy, idiopathic generalized, susceptibility to, 17. Review status: criteria provided, single submitter. Criteria: ACMG Guidelines, 2015. Collection method: clinical testing. Allele origin: germline.
Comment: Absent from controls (or at extremely low frequency if recessive) in Genome Aggregation Database.;Multiple lines of computational evidence support a deleterious effect on the gene or gene product.

NM_001194.4(HCN2):c.835C>T (p.Pro279Ser)

Gene: HCN2 (hyperpolarization activated cyclic nucleotide gated potassium and sodium channel 2; plus strand). Cytogenetic location: 19p13.3.
Variant type: single nucleotide variant.
Coding change: c.835C>T on transcript NM_001194.4 (MANE Select); coding-DNA position 835, C replaced by T.
Protein change: p.Pro279Ser; replaces proline 279 with serine.
Molecular consequence: missense variant.
Genome position (GRCh38, 1-based): chr19:603,746, C>T. VCF-style: chr19-603746-C-T. GRCh37 (hg19) VCF-style: chr19-603746-C-T.
Other names: short protein forms P279S.
Identifiers: ClinVar variation 5006034 (VCV005006034.2).